The following is an entry in ClinVar:

NM_000518.5(HBB):c.273G>C (p.Glu91Asp)

Genes: HBB (hemoglobin subunit beta; minus strand), LOC106099062 (HBB recombination region; plus strand), LOC107133510 (origin of replication at HBB; plus strand). Cytogenetic location: 11p15.4.
Variant type: single nucleotide variant.
Coding change: c.273G>C on transcript NM_000518.5 (MANE Select); coding-DNA position 273, G replaced by C.
Protein change: p.Glu91Asp; replaces glutamic acid 91 with aspartic acid.
Molecular consequence: missense variant.
Genome position (GRCh38, 1-based): chr11:5,226,619, C>G on the plus strand (G>C on the coding strand, the complement: HBB is on the minus strand). VCF-style: chr11-5226619-C-G. GRCh37 (hg19) VCF-style: chr11-5247849-C-G.
Other names: E90D; c.273G>C (NM_000518.4); short protein forms E91D.
Identifiers: ClinVar variation 15311 (VCV000015311.3), dbSNP rs35002698, ClinGen allele CA125102.

ClinVar aggregate classification (germline): Pathogenic. Review status: criteria provided, single submitter (1 of 4 stars). 2 submissions from 2 submitters: Pathogenic (1). 1 of the submissions does not count toward it. Last evaluated 2023-09-06.

Conditions:
HEMOGLOBIN PIERRE-BENITE.
Hemoglobinopathy. Also called: Hemoglobin disorder; Haemoglobinopathies. Identifiers: MedGen C0019045, MONDO:0044348.

Allele frequency attached by ClinVar (database versions not stated): gnomAD exomes 0.00001.
gnomAD v4.1: 8 of 1,614,138 alleles (0.0005%); highest among the groups gnomAD compares: Non-Finnish European, 0.00068%; no homozygotes.

Submissions (2):

Women's Health and Genetics/Laboratory Corporation of America, LabCorp
Classification: Pathogenic for Hemoglobinopathy. Last evaluated: 2023-09-06. Review status: criteria provided, single submitter. Criteria: LabCorp Variant Classification Summary - May 2015. Collection method: clinical testing. Allele origin: germline.
Comment: Variant summary: HBB c.273G>C (p.Glu91Asp) results in a conservative amino acid change located in the Globin domain (IPR000971) of the encoded protein sequence. Three of five in-silico tools predict a benign effect of the variant on protein function. The variant was absent in 251422 control chromosomes (gnomAD). The available data on variant occurrences in the general population are insufficient to allow any conclusion about variant significance. This amino acid change (also known as Pierre-Benite or beta Glu90Asp) can be caused by c.273G>T as well as c.273G>C and is known as a high oxygen affinity hemoglobin variant that has been reported in the literature in heterozygous individuals affected with erythrocytosis/polycythaemia (example, Baklouti_1988, Beard_2001, Percy_2009, Oliviera_2018). These data indicate that the variant is very likely to be associated with dominant familial erythrocytosis while not providing unequivocal conclusions about association of the variant with Beta Thalassemia or a Hemglobinopathy. To our knowledge, no homozygous or compound heterozygous occurrence of the variant with pathogenic HBB variants have been reported. At least one publication reports experimental evidence evaluating a sample from a heterozygous patient, finding indication of increased oxygen affinity (Beard_2001). The following publications have been ascertained in the context of this evaluation (PMID: 19734427, 11843890, 3384709, 29790589). One submitter has provided an entry for this variant to ClinVar after 2014 without a clinical significance assessment. Based on the evidence outlined above, the variant was classified as pathogenic.

OMIM
Classification: other for HEMOGLOBIN PIERRE-BENITE. Last evaluated: 2017-12-12. Review status: no assertion criteria provided. Collection method: literature only. Allele origin: germline. Not counted in ClinVar's aggregate classification.

Literature cited by the submitters: PubMed 3384709 (cited by Women's Health and Genetics/Laboratory Corporation of America, LabCorp and OMIM); PubMed 29790589 (cited by Women's Health and Genetics/Laboratory Corporation of America, LabCorp); PubMed 11843890 (cited by Women's Health and Genetics/Laboratory Corporation of America, LabCorp); PubMed 19734427 (cited by Women's Health and Genetics/Laboratory Corporation of America, LabCorp).